The following is an entry in ClinVar:

ClinVar aggregate classification (germline): Conflicting classifications of pathogenicity. Review status: criteria provided, conflicting classifications (1 of 4 stars). 3 submissions from 3 submitters: Uncertain significance (2); Likely benign (1). Last evaluated 2026-07-27.

Conditions:
Hereditary cancer-predisposing syndrome. Also called: Neoplastic Syndromes, Hereditary; Hereditary Cancer Syndrome; Hereditary neoplastic syndrome; Tumor predisposition. Identifiers: Orphanet 140162, MedGen C0027672, MeSH D009386, MONDO:0015356.
BAP1-related tumor predisposition syndrome (TPDS1). Also called: BAP1 tumor predisposition syndrome; TUMOR PREDISPOSITION SYNDROME 1; Tumor susceptibility linked to germline BAP1 mutations; COMMON Syndrome. Identifiers: Orphanet 289539, MedGen C3280492, MONDO:0013692, OMIM 614327.

Submissions (3):

Ambry Genetics
Classification: Likely benign for Hereditary cancer-predisposing syndrome. Last evaluated: 2026-07-27. Review status: criteria provided, single submitter. Criteria: Ambry Variant Classification Scheme 2023. Collection method: clinical testing. Allele origin: germline.

Color Diagnostics, LLC DBA Color Health
Classification: Uncertain significance for Hereditary cancer-predisposing syndrome. Last evaluated: 2023-12-04. Review status: criteria provided, single submitter. Criteria: ACMG Guidelines, 2015. Collection method: clinical testing. Allele origin: germline.
Comment: This missense variant replaces lysine with arginine at codon 421 of the BAP1 protein. Computational prediction suggests that this variant may not impact protein structure and function (internally defined REVEL score threshold <= 0.5, PMID: 27666373). To our knowledge, functional studies have not been reported for this variant. This variant has not been reported in individuals affected with BAP1-related disorders in the literature. This variant has not been identified in the general population by the Genome Aggregation Database (gnomAD). The available evidence is insufficient to determine the role of this variant in disease conclusively. Therefore, this variant is classified as a Variant of Uncertain Significance.

Labcorp Genetics (formerly Invitae), Labcorp
Classification: Uncertain significance for BAP1-related tumor predisposition syndrome. Last evaluated: 2023-02-22. Review status: criteria provided, single submitter. Criteria: Invitae Variant Classification Sherloc (09022015). Collection method: clinical testing. Allele origin: germline.
Comment: This variant is not present in population databases (gnomAD no frequency). In summary, the available evidence is currently insufficient to determine the role of this variant in disease. Therefore, it has been classified as a Variant of Uncertain Significance. Advanced modeling of protein sequence and biophysical properties (such as structural, functional, and spatial information, amino acid conservation, physicochemical variation, residue mobility, and thermodynamic stability) performed at Invitae indicates that this missense variant is not expected to disrupt BAP1 protein function. ClinVar contains an entry for this variant (Variation ID: 629829). This variant has not been reported in the literature in individuals affected with BAP1-related conditions. This sequence change replaces lysine, which is basic and polar, with arginine, which is basic and polar, at codon 421 of the BAP1 protein (p.Lys421Arg).

NM_004656.4(BAP1):c.1262A>G (p.Lys421Arg)

Gene: BAP1 (BRCA1 associated deubiquitinase 1; minus strand). Cytogenetic location: 3p21.1.
Variant type: single nucleotide variant.
Coding change: c.1262A>G on transcript NM_004656.4 (MANE Select); coding-DNA position 1262, A replaced by G.
Protein change: p.Lys421Arg; replaces lysine 421 with arginine.
Molecular consequence: missense variant.
Genome position (GRCh38, 1-based): chr3:52,403,883, T>C on the plus strand (A>G on the coding strand, the complement: BAP1 is on the minus strand). VCF-style: chr3-52403883-T-C. GRCh37 (hg19) VCF-style: chr3-52437899-T-C.
Other names: c.1262A>G (NM_004656.2); short protein forms K421R.
Identifiers: ClinVar variation 629829 (VCV000629829.9), dbSNP rs1559587201, ClinGen allele CA353102485.
Genomic context (GRCh38, chr3:52,403,883, plus strand): 5'-TGCAGCACTGACAGTTGCCCATCAGCAGAACCGCTCAATGCCCCTGGCTTCCCTGTTCCC[T>C]TCCCCTTATACCTGTGGGGCCCGAGAAGATGTGAAGCAAGGGAACGGGCCAGGTGACCAT-3'
Protein context (NP_004647.1, residues 411-431): NTNSALRYKG[Lys421Arg]GTGKPGALSG